The following is an entry in ClinVar:

ClinVar aggregate classification (germline): Uncertain significance (1 of 4 stars; one submission).

Conditions:
Hypertrophic cardiomyopathy. Also called: HYPERTROPHIC MYOCARDIOPATHY. Identifiers: Orphanet 217569, MedGen C0007194, MeSH D002312, MONDO:0005045, HP:0001639.

Submission:

Labcorp Genetics (formerly Invitae), Labcorp
Classification: Uncertain significance for Hypertrophic cardiomyopathy. Last evaluated: 2023-05-05. Review status: criteria provided, single submitter. Criteria: Invitae Variant Classification Sherloc (09022015). Collection method: clinical testing. Allele origin: germline.
Comment: In summary, the available evidence is currently insufficient to determine the role of this variant in disease. Therefore, it has been classified as a Variant of Uncertain Significance. Experimental studies and prediction algorithms are not available or were not evaluated, and the functional significance of this variant is currently unknown. This variant has not been reported in the literature in individuals affected with MYOM1-related conditions. This variant is a gross deletion of the genomic region encompassing exon(s) 35-36 of the MYOM1 gene. This variant would be expected to be in-frame, preserving the integrity of the reading frame.

NC_000018.9:g.(?_3075432)_(3075779_?)del

Gene: MYOM1 (myomesin 1; minus strand). Cytogenetic location: 18p11.31.
Variant type: Deletion.
Identifiers: ClinVar variation 1410863 (VCV001410863.4).